The following is an entry in ClinVar:

ClinVar aggregate classification (germline): Uncertain significance (1 of 4 stars; one submission).

Conditions:
Cardiovascular phenotype. Identifiers: MedGen CN230736.

Allele frequency attached by ClinVar (database versions not stated): gnomAD exomes below 0.00001.
gnomAD v4.1: 3 of 1,612,932 alleles (0.00019%); highest among the groups gnomAD compares: South Asian, 0.0011%; no homozygotes.

Submission:

Ambry Genetics
Classification: Uncertain significance for Cardiovascular phenotype. Last evaluated: 2022-01-26. Review status: criteria provided, single submitter. Criteria: Ambry Variant Classification Scheme 2023. Collection method: clinical testing. Allele origin: germline.
Comment: The p.E339K variant (also known as c.1015G>A), located in coding exon 8 of the NEXN gene, results from a G to A substitution at nucleotide position 1015. The glutamic acid at codon 339 is replaced by lysine, an amino acid with similar properties. This amino acid position is conserved. In addition, the in silico prediction for this alteration is inconclusive. Since supporting evidence is limited at this time, the clinical significance of this alteration remains unclear.

NM_144573.4(NEXN):c.1015G>A (p.Glu339Lys)

Gene: NEXN (nexilin F-actin binding protein; plus strand). Cytogenetic location: 1p31.1.
Variant type: single nucleotide variant.
Coding change: c.1015G>A on transcript NM_144573.4 (MANE Select); coding-DNA position 1015, G replaced by A.
Protein change: p.Glu339Lys; replaces glutamic acid 339 with lysine.
Molecular consequence: missense variant.
Genome position (GRCh38, 1-based): chr1:77,929,466, G>A. VCF-style: chr1-77929466-G-A. GRCh37 (hg19) VCF-style: chr1-78395151-G-A.
Other names: c.823G>A, p.Glu275Lys (NM_001172309.2); short protein forms E339K, E275K.
Identifiers: ClinVar variation 1742728 (VCV001742728.2), dbSNP rs2523224994, ClinGen allele CA340875736.